The following is an entry in ClinVar:

NM_032608.7(MYO18B):c.6507G>C (p.Gln2169His)

Gene: MYO18B (myosin XVIIIB; plus strand). Cytogenetic location: 22q12.1.
Variant type: single nucleotide variant.
Coding change: c.6507G>C on transcript NM_032608.7 (MANE Select); coding-DNA position 6507, G replaced by C.
Protein change: p.Gln2169His; replaces glutamine 2169 with histidine.
Molecular consequence: missense variant.
Genome position (GRCh38, 1-based): chr22:26,026,481, G>C. VCF-style: chr22-26026481-G-C. GRCh37 (hg19) VCF-style: chr22-26422447-G-C.
Other names: c.6510G>C, p.Gln2170His (NM_001318245.2); short protein forms Q2169H, Q2170H.
Identifiers: ClinVar variation 2189536 (VCV002189536.4), dbSNP rs147879793, ClinGen allele CA411009880.

ClinVar aggregate classification (germline): Uncertain significance (1 of 4 stars; one submission).

Submission:

Labcorp Genetics (formerly Invitae), Labcorp
Classification: Uncertain significance. Last evaluated: 2022-07-20. Review status: criteria provided, single submitter. Criteria: Invitae Variant Classification Sherloc (09022015). Collection method: clinical testing. Allele origin: germline.
Comment: This variant is not present in population databases (gnomAD no frequency). In summary, the available evidence is currently insufficient to determine the role of this variant in disease. Therefore, it has been classified as a Variant of Uncertain Significance. Algorithms developed to predict the effect of missense changes on protein structure and function are either unavailable or do not agree on the potential impact of this missense change (SIFT: "Not Available"; PolyPhen-2: "Possibly Damaging"; Align-GVGD: "Not Available"). This variant has not been reported in the literature in individuals affected with MYO18B-related conditions. This sequence change replaces glutamine, which is neutral and polar, with histidine, which is basic and polar, at codon 2169 of the MYO18B protein (p.Gln2169His).